The following is an entry in ClinVar:

ClinVar aggregate classification (germline): Uncertain significance. Review status: criteria provided, multiple submitters, no conflicts (2 of 4 stars). 2 submissions from 2 submitters: Uncertain significance (2). Last evaluated 2022-08-22.

Conditions:
Brugada syndrome. Also called: Sudden unexpected nocturnal death syndrome; Sudden Unexplained Death Syndrome; Sudden Unexplained Nocturnal Death Syndrome (SUNDS); Sudden unexplained nocturnal death syndrome. Identifiers: Orphanet 130, MedGen C1142166, MONDO:0015263.

Allele frequency attached by ClinVar (database versions not stated): ExAC 0.00001; gnomAD exomes 0.00001; TOPMed 0.00001.
gnomAD v4.1: 14 of 1,614,230 alleles (0.00087%); highest among the groups gnomAD compares: Non-Finnish European, 0.0011%; no homozygotes.

Submissions (2):

Labcorp Genetics (formerly Invitae), Labcorp
Classification: Uncertain significance for Brugada syndrome. Last evaluated: 2022-08-22. Review status: criteria provided, single submitter. Criteria: Invitae Variant Classification Sherloc (09022015). Collection method: clinical testing. Allele origin: germline.
Comment: This sequence change replaces alanine, which is neutral and non-polar, with serine, which is neutral and polar, at codon 1207 of the SCN10A protein (p.Ala1207Ser). This variant is present in population databases (rs756162245, gnomAD 0.003%). This variant has not been reported in the literature in individuals affected with SCN10A-related conditions. ClinVar contains an entry for this variant (Variation ID: 961669). Advanced modeling of protein sequence and biophysical properties (such as structural, functional, and spatial information, amino acid conservation, physicochemical variation, residue mobility, and thermodynamic stability) performed at Invitae indicates that this missense variant is expected to disrupt SCN10A protein function. In summary, the available evidence is currently insufficient to determine the role of this variant in disease. Therefore, it has been classified as a Variant of Uncertain Significance.

Women's Health and Genetics/Laboratory Corporation of America, LabCorp
Classification: Uncertain significance. Last evaluated: 2021-11-04. Review status: criteria provided, single submitter. Criteria: LabCorp Variant Classification Summary - May 2015. Collection method: clinical testing. Allele origin: germline.
Comment: Variant summary: SCN10A c.3619G>T (p.Ala1207Ser) results in a conservative amino acid change located in the Ion transport domain of the encoded protein sequence. Four of five in-silico tools predict a damaging effect of the variant on protein function. The variant allele was found at a frequency of 1.2e-05 in 251474 control chromosomes (gnomAD). The available data on variant occurrences in the general population are insufficient to allow any conclusion about variant significance. c.3619G>T has been reported in the literature in an individual with Chiari I malformation (Sadler_2021). This report does not provide unequivocal conclusions about association of the variant with SCN10A-Related Disorders. To our knowledge, no experimental evidence demonstrating an impact on protein function has been reported. One clinical diagnostic laboratory has submitted clinical-significance assessments for this variant to ClinVar after 2014 and classified the variant as uncertain significance. Based on the evidence outlined above, the variant was classified as uncertain significance.

Literature cited by the submitters: PubMed 33352116 (cited by Women's Health and Genetics/Laboratory Corporation of America, LabCorp).

NM_006514.4(SCN10A):c.3619G>T (p.Ala1207Ser)

Gene: SCN10A (sodium voltage-gated channel alpha subunit 10; minus strand). Cytogenetic location: 3p22.2.
Variant type: single nucleotide variant.
Coding change: c.3619G>T on transcript NM_006514.4 (MANE Select); coding-DNA position 3619, G replaced by T.
Protein change: p.Ala1207Ser; replaces alanine 1207 with serine.
Molecular consequence: missense variant.
Genome position (GRCh38, 1-based): chr3:38,718,715, C>A on the plus strand (G>T on the coding strand, the complement: SCN10A is on the minus strand). VCF-style: chr3-38718715-C-A. GRCh37 (hg19) VCF-style: chr3-38760206-C-A.
Other names: c.3616G>T, p.Ala1206Ser (NM_001293306.2); c.3325G>T, p.Ala1109Ser (NM_001293307.2); short protein forms A1109S, A1206S, A1207S.
Identifiers: ClinVar variation 961669 (VCV000961669.4), dbSNP rs756162245, ClinGen allele CA2320180.